The following is an entry in ClinVar:

ClinVar aggregate classification (germline): Uncertain significance (1 of 4 stars; one submission).

Conditions:
Combined immunodeficiency due to LRBA deficiency. Also called: Common variable immunodeficiency 8, with autoimmunity. Identifiers: Orphanet 445018, MedGen C3553512, MONDO:0013863, OMIM 614700.

Allele frequency attached by ClinVar (database versions not stated): gnomAD exomes below 0.00001 and 0.00001; TOPMed 0.00001; ExAC 0.00002; gnomAD 0.00002; ESP Exome Variant Server 0.00008.
gnomAD v4.1: 7 of 1,612,816 alleles (0.00043%); highest among the groups gnomAD compares: African/African-American, 0.0053%; no homozygotes.

Submission:

Labcorp Genetics (formerly Invitae), Labcorp
Classification: Uncertain significance for Combined immunodeficiency due to LRBA deficiency. Last evaluated: 2019-07-29. Review status: criteria provided, single submitter. Criteria: Invitae Variant Classification Sherloc (09022015). Collection method: clinical testing. Allele origin: germline.
Comment: This variant is present in population databases (rs369645073, ExAC 0.02%). This variant has not been reported in the literature in individuals with LRBA-related conditions. Algorithms developed to predict the effect of missense changes on protein structure and function are either unavailable or do not agree on the potential impact of this missense change (SIFT: "Tolerated"; PolyPhen-2: "Probably Damaging"; Align-GVGD: "Class C0"). Algorithms developed to predict the effect of sequence changes on RNA splicing suggest that this variant may create or strengthen a splice site, but this prediction has not been confirmed by published transcriptional studies. In summary, the available evidence is currently insufficient to determine the role of this variant in disease. Therefore, it has been classified as a Variant of Uncertain Significance. This sequence change replaces lysine with arginine at codon 537 of the LRBA protein (p.Lys537Arg). The lysine residue is weakly conserved and there is a small physicochemical difference between lysine and arginine.

NM_001364905.1(LRBA):c.1610A>G (p.Lys537Arg)

Gene: LRBA (LPS responsive beige-like anchor protein; minus strand). Cytogenetic location: 4q31.3.
Variant type: single nucleotide variant.
Coding change: c.1610A>G on transcript NM_001364905.1 (MANE Select); coding-DNA position 1610, A replaced by G.
Protein change: p.Lys537Arg; replaces lysine 537 with arginine.
Molecular consequence: missense variant.
Genome position (GRCh38, 1-based): chr4:150,905,983, T>C on the plus strand (A>G on the coding strand, the complement: LRBA is on the minus strand). VCF-style: chr4-150905983-T-C. GRCh37 (hg19) VCF-style: chr4-151827135-T-C.
Other names: c.1610A>G, p.Lys537Arg (NM_001199282.3, NM_001367550.1, NM_006726.5); short protein forms K537R.
Identifiers: ClinVar variation 963402 (VCV000963402.9), dbSNP rs369645073, ClinGen allele CA3103523.